The following is an entry in ClinVar:

NM_014425.5(INVS):c.2453C>T (p.Ala818Val)

Gene: INVS (inversin; plus strand). Cytogenetic location: 9q31.1.
Variant type: single nucleotide variant.
Coding change: c.2453C>T on transcript NM_014425.5 (MANE Select); coding-DNA position 2453, C replaced by T.
Protein change: p.Ala818Val; replaces alanine 818 with valine.
Molecular consequence: missense variant. On other transcripts: non-coding transcript variant (1).
Genome position (GRCh38, 1-based): chr9:100,292,710, C>T. VCF-style: chr9-100292710-C-T. GRCh37 (hg19) VCF-style: chr9-103054992-C-T.
Other names: c.2165C>T, p.Ala722Val (NM_001318381.2); c.1475C>T, p.Ala492Val (NM_001318382.2); c.2453C>T (NM_014425.2); short protein forms A818V, A492V, A722V.
Identifiers: ClinVar variation 596095 (VCV000596095.12), dbSNP rs115324411, ClinGen allele CA5158632.

ClinVar aggregate classification (germline): Conflicting classifications of pathogenicity. Review status: criteria provided, conflicting classifications (1 of 4 stars). 3 submissions from 3 submitters: Uncertain significance (2); Likely benign (1). Last evaluated 2023-02-22.

Conditions:
Nephronophthisis. Also called: Juvenile Nephronophthisis. Identifiers: Orphanet 655, MedGen C0687120, MONDO:0019005, HP:0000090.
Inborn genetic diseases. Identifiers: MedGen C0950123, MeSH D030342.

Allele frequency attached by ClinVar (database versions not stated): gnomAD exomes 0.00002 and 0.00012; gnomAD 0.00004 and 0.00005; TOPMed 0.00006; ExAC 0.00012; 1000 Genomes Project 0.00040; 1000 Genomes Project 30x 0.00047.
gnomAD v4.1: 31 of 1,614,108 alleles (0.0019%); highest among the groups gnomAD compares: East Asian, 0.058%; no homozygotes.

Submissions (3):

Ambry Genetics
Classification: Likely benign for Inborn genetic diseases. Last evaluated: 2023-02-22. Review status: criteria provided, single submitter. Criteria: Ambry Variant Classification Scheme 2023. Collection method: clinical testing. Allele origin: germline.

Labcorp Genetics (formerly Invitae), Labcorp
Classification: Uncertain significance for Nephronophthisis. Last evaluated: 2021-12-13. Review status: criteria provided, single submitter. Criteria: Invitae Variant Classification Sherloc (09022015). Collection method: clinical testing. Allele origin: germline.
Comment: This sequence change replaces alanine, which is neutral and non-polar, with valine, which is neutral and non-polar, at codon 818 of the INVS protein (p.Ala818Val). This variant is present in population databases (rs115324411, gnomAD 0.1%). This variant has not been reported in the literature in individuals affected with INVS-related conditions. ClinVar contains an entry for this variant (Variation ID: 596095). Algorithms developed to predict the effect of missense changes on protein structure and function output the following: SIFT: "Tolerated"; PolyPhen-2: "Benign"; Align-GVGD: "Class C0". The valine amino acid residue is found in multiple mammalian species, which suggests that this missense change does not adversely affect protein function. In summary, the available evidence is currently insufficient to determine the role of this variant in disease. Therefore, it has been classified as a Variant of Uncertain Significance.

Eurofins Ntd Llc (ga)
Classification: Uncertain significance. Last evaluated: 2018-02-10. Review status: criteria provided, single submitter. Criteria: EGL ClinVar v180209 classification definitions. Collection method: clinical testing. Allele origin: germline. Observed: 1 variant allele, 1 heterozygote.